The following is an entry in ClinVar:

ClinVar aggregate classification (germline): Uncertain significance. Review status: criteria provided, multiple submitters, no conflicts (2 of 4 stars). 3 submissions from 3 submitters: Uncertain significance (3). Last evaluated 2025-11-05.

Conditions:
Inborn genetic diseases. Identifiers: MedGen C0950123, MeSH D030342.
Nemaline myopathy 9 (NEM9). Identifiers: MedGen C3810384, MONDO:0014326, OMIM 615731.

Allele frequency attached by ClinVar (database versions not stated): gnomAD exomes 0.00001; TOPMed 0.00001; gnomAD 0.00001.
gnomAD v4.1: 12 of 1,614,034 alleles (0.00074%); highest among the groups gnomAD compares: Non-Finnish European, 0.001%; no homozygotes.

Submissions (3):

Ambry Genetics
Classification: Uncertain significance for Inborn genetic diseases. Last evaluated: 2025-11-05. Review status: criteria provided, single submitter. Criteria: Ambry Variant Classification Scheme 2023. Collection method: clinical testing. Allele origin: germline.

Revvity Omics, Revvity
Classification: Uncertain significance for Nemaline myopathy 9. Last evaluated: 2023-09-13. Review status: criteria provided, single submitter. Criteria: ACMG Guidelines, 2015. Collection method: clinical testing. Allele origin: germline.

Labcorp Genetics (formerly Invitae), Labcorp
Classification: Uncertain significance for Nemaline myopathy 9. Last evaluated: 2022-08-19. Review status: criteria provided, single submitter. Criteria: Invitae Variant Classification Sherloc (09022015). Collection method: clinical testing. Allele origin: germline.
Comment: Algorithms developed to predict the effect of missense changes on protein structure and function (SIFT, PolyPhen-2, Align-GVGD) all suggest that this variant is likely to be disruptive. In summary, the available evidence is currently insufficient to determine the role of this variant in disease. Therefore, it has been classified as a Variant of Uncertain Significance. Algorithms developed to predict the effect of sequence changes on RNA splicing suggest that this variant may create or strengthen a splice site. This variant has not been reported in the literature in individuals affected with KLHL41-related conditions. This variant is not present in population databases (gnomAD no frequency). This sequence change replaces aspartic acid, which is acidic and polar, with glycine, which is neutral and non-polar, at codon 105 of the KLHL41 protein (p.Asp105Gly).

NM_006063.3(KLHL41):c.314A>G (p.Asp105Gly)

Gene: KLHL41 (kelch like family member 41; plus strand). Cytogenetic location: 2q31.1.
Variant type: single nucleotide variant.
Coding change: c.314A>G on transcript NM_006063.3 (MANE Select); coding-DNA position 314, A replaced by G.
Protein change: p.Asp105Gly; replaces aspartic acid 105 with glycine.
Molecular consequence: missense variant.
Genome position (GRCh38, 1-based): chr2:169,510,092, A>G. VCF-style: chr2-169510092-A-G. GRCh37 (hg19) VCF-style: chr2-170366602-A-G.
Other names: c.314A>G (NM_006063.2); short protein forms D105G.
Identifiers: ClinVar variation 2111827 (VCV002111827.4), dbSNP rs1225605570, ClinGen allele CA349174043.